The following is an entry in ClinVar:

NM_004369.4(COL6A3):c.6157-2A>C

Gene: COL6A3 (collagen type VI alpha 3 chain; minus strand). Cytogenetic location: 2q37.3.
Variant type: single nucleotide variant.
Coding change: c.6157-2A>C on transcript NM_004369.4 (MANE Select); the canonical splice acceptor site of the intron before coding-DNA position 6157, A replaced by C.
Molecular consequence: splice acceptor variant.
Genome position (GRCh38, 1-based): chr2:237,361,176, T>G on the plus strand (A>C on the coding strand, the complement: COL6A3 is on the minus strand). VCF-style: chr2-237361176-T-G. GRCh37 (hg19) VCF-style: chr2-238269819-T-G.
Other names: c.4336-2A>C (NM_057166.5); c.5539-2A>C (NM_057167.4).
Identifiers: ClinVar variation 280181 (VCV000280181.7), dbSNP rs886041434, ClinGen allele CA10602842.

ClinVar aggregate classification (germline): Pathogenic. Review status: criteria provided, multiple submitters, no conflicts (2 of 4 stars). 3 submissions from 3 submitters: Pathogenic (3). Last evaluated 2025-06-17.

Conditions:
Bethlem myopathy 1A. Also called: Bethlem myopathy 1; MYOPATHY, BENIGN CONGENITAL, WITH CONTRACTURES; Bethlem Muscular Dystrophy. Identifiers: Orphanet 610, MedGen CN029274, MONDO:0024530, OMIM 158810.

Submissions (3):

Labcorp Genetics (formerly Invitae), Labcorp
Classification: Pathogenic for Bethlem myopathy 1A. Last evaluated: 2025-06-17. Review status: criteria provided, single submitter. Criteria: Invitae Variant Classification Sherloc (09022015). Collection method: clinical testing. Allele origin: germline.
Comment: This sequence change affects an acceptor splice site in intron 15 of the COL6A3 gene. It is expected to disrupt RNA splicing. Variants that disrupt the donor or acceptor splice site typically lead to a loss of protein function (PMID: 16199547), and loss-of-function variants in COL6A3 are known to be disease-causing for autosomal recessive COL6A3-related conditions (PMID: 21280092, 20976770). However, certain variants affecting donor or acceptor splice sites in the triple helical domain of COL6A3 are expected to result in in-frame exon skipping and have been reported to cause autosomal dominant COL6A3-related conditions (PMID: 18366090). This variant is not present in population databases (gnomAD no frequency). Disruption of this splice site has been observed in individual(s) with autosomal dominant COL6A3-related conditions (PMID: 34167565). In at least one individual the variant was observed to be de novo. ClinVar contains an entry for this variant (Variation ID: 280181). Algorithms developed to predict the effect of sequence changes on RNA splicing suggest that this variant may disrupt the consensus splice site. For these reasons, this variant has been classified as Pathogenic.

Eurofins Ntd Llc (ga)
Classification: Pathogenic. Last evaluated: 2016-05-18. Review status: criteria provided, single submitter. Criteria: EGL Classification Definitions 2015. Collection method: clinical testing. Allele origin: germline. Observed: 5 variant alleles, 5 heterozygotes.

GeneDx
Classification: Pathogenic. Last evaluated: 2015-12-10. Review status: criteria provided, single submitter. Criteria: GeneDx Variant Classification (06012015). Collection method: clinical testing. Allele origin: germline. Affected: yes.
Comment: The c.6157-2A>C pathogenic variant in the COL6A3 gene has not been reported previously as a pathogenic variant nor as a benign variant, to our knowledge. This splice site variant destroys the canonical splice acceptor site in intron 15. It is predicted to cause abnormal gene splicing, either leading to an abnormal message that is subject to nonsense-mediated mRNA decay, or to an abnormal protein product if the message is used for protein translation. An apparently de novo splice variant with a different nucleotide change at the same position (c.6157-2A>G) was identified in an individual with congenital muscular dystrophy and sarcolemma-specific collagen VI deficiency (Okada et al., 2007). The c.6157-2A>C variant was not observed in approximately 6500 individuals of European and African American ancestry in the NHLBI Exome Sequencing Project, indicating it is not a common benign variant in these populations. We interpret c.6157-2A>C as a pathogenic variant.

Literature cited by the submitters: PubMed 16199547 (cited by Labcorp Genetics (formerly Invitae), Labcorp); PubMed 21280092 (cited by Labcorp Genetics (formerly Invitae), Labcorp); PubMed 20976770 (cited by Labcorp Genetics (formerly Invitae), Labcorp); PubMed 18366090 (cited by Labcorp Genetics (formerly Invitae), Labcorp); PubMed 34167565 (cited by Labcorp Genetics (formerly Invitae), Labcorp).